The following is an entry in ClinVar:

ClinVar aggregate classification (germline): Benign (1 of 4 stars; one submission).

Allele frequency attached by ClinVar (database versions not stated): TOPMed 0.22768; gnomAD 0.21605; 1000 Genomes Project 30x 0.25843; 1000 Genomes Project 0.26478.
gnomAD v4.1: 33,941 of 152,028 alleles (22%); highest among the groups gnomAD compares: East Asian, 46%; 4,280 homozygotes.

Submission:

GeneDx
Classification: Benign. Last evaluated: 2018-06-18. Review status: criteria provided, single submitter. Criteria: GeneDx Variant Classification (06012015). Collection method: clinical testing. Allele origin: germline. Affected: yes.
Comment: This variant is considered likely benign or benign based on one or more of the following criteria: it is a conservative change, it occurs at a poorly conserved position in the protein, it is predicted to be benign by multiple in silico algorithms, and/or has population frequency not consistent with disease.

NM_005902.4(SMAD3):c.872-330G>A

Gene: SMAD3 (SMAD family member 3; plus strand). Cytogenetic location: 15q22.33.
Variant type: single nucleotide variant.
Coding change: c.872-330G>A on transcript NM_005902.4 (MANE Select); 330 bases into the intron before coding-DNA position 872, G replaced by A.
Molecular consequence: intron variant.
Genome position (GRCh38, 1-based): chr15:67,184,397, G>A. VCF-style: chr15-67184397-G-A. GRCh37 (hg19) VCF-style: chr15-67476735-G-A.
Other names: c.557-330G>A (NM_001145102.2); c.740-330G>A (NM_001145103.2); c.287-330G>A (NM_001145104.2).
Identifiers: ClinVar variation 683844 (VCV000683844.1), dbSNP rs7181877, ClinGen allele CA14104832.